The following is an entry in ClinVar:

NM_173598.6(KSR2):c.2388C>T (p.Asn796=)

Gene: KSR2 (kinase suppressor of ras 2; minus strand). Cytogenetic location: 12q24.22.
Variant type: single nucleotide variant.
Coding change: c.2388C>T on transcript NM_173598.6 (MANE Select); coding-DNA position 2388, C replaced by T.
Protein change: p.Asn796=; no amino-acid change (asparagine 796 retained).
Molecular consequence: synonymous variant.
Genome position (GRCh38, 1-based): chr12:117,484,478, G>A on the plus strand (C>T on the coding strand, the complement: KSR2 is on the minus strand). VCF-style: chr12-117484478-G-A. GRCh37 (hg19) VCF-style: chr12-117922283-G-A.
Other names: c.2301C>T (NM_173598.4).
Identifiers: ClinVar variation 2082781 (VCV002082781.6), dbSNP rs187354111, ClinGen allele CA6815748.

ClinVar aggregate classification (germline): Likely benign. Review status: criteria provided, single submitter (1 of 4 stars). 2 submissions from 2 submitters: Likely benign (1). 1 of the submissions does not count toward it. Last evaluated 2022-07-03.

Conditions:
KSR2-related disorder. Also called: KSR2-related condition.

Allele frequency attached by ClinVar (database versions not stated): TOPMed 0.00004; gnomAD 0.00005; ExAC 0.00009; gnomAD exomes 0.00010; 1000 Genomes Project 0.00040; 1000 Genomes Project 30x 0.00062.
gnomAD v4.1: 153 of 1,613,910 alleles (0.0095%); highest among the groups gnomAD compares: Middle Eastern, 0.049%; no homozygotes.

Submissions (2):

Labcorp Genetics (formerly Invitae), Labcorp
Classification: Likely benign. Last evaluated: 2022-07-03. Review status: criteria provided, single submitter. Criteria: Invitae Variant Classification Sherloc (09022015). Collection method: clinical testing. Allele origin: germline.

PreventionGenetics, part of Exact Sciences
Classification: Likely benign for KSR2-related condition. Last evaluated: 2020-07-17. Review status: no assertion criteria provided. Collection method: clinical testing. Allele origin: germline. Not counted in ClinVar's aggregate classification.
Comment: This variant is classified as likely benign based on ACMG/AMP sequence variant interpretation guidelines (Richards et al. 2015 PMID: 25741868, with internal and published modifications).